The following is an entry in ClinVar:

NM_003128.3(SPTBN1):c.3875A>G (p.Asn1292Ser)

Gene: SPTBN1 (spectrin beta, non-erythrocytic 1; plus strand). Cytogenetic location: 2p16.2.
Variant type: single nucleotide variant.
Coding change: c.3875A>G on transcript NM_003128.3 (MANE Select); coding-DNA position 3875, A replaced by G.
Protein change: p.Asn1292Ser; replaces asparagine 1292 with serine.
Molecular consequence: missense variant.
Genome position (GRCh38, 1-based): chr2:54,642,999, A>G. VCF-style: chr2-54642999-A-G. GRCh37 (hg19) VCF-style: chr2-54870136-A-G.
Other names: c.3836A>G, p.Asn1279Ser (NM_178313.3); short protein forms N1279S, N1292S.
Identifiers: ClinVar variation 4821827 (VCV004821827.4).

ClinVar aggregate classification (germline): Likely benign (1 of 4 stars; one submission).

gnomAD v4.1: 163 of 1,613,544 alleles (0.01%); highest among the groups gnomAD compares: South Asian, 0.031%; 1 homozygote.

Submission:

CeGaT Center for Human Genetics Tuebingen
Classification: Likely benign. Last evaluated: 2026-01-01. Review status: criteria provided, single submitter. Criteria: CeGaT Center For Human Genetics Tuebingen Variant Classification Criteria Version 2. Collection method: clinical testing. Allele origin: germline. Affected: yes. Observed: 1 variant allele.
Comment: SPTBN1: BS2